The following is an entry in ClinVar:

NM_001844.5(COL2A1):c.610-5T>A

Gene: COL2A1 (collagen type II alpha 1 chain; minus strand). Cytogenetic location: 12q13.11.
Variant type: single nucleotide variant.
Coding change: c.610-5T>A on transcript NM_001844.5 (MANE Select); 5 bases into the intron before coding-DNA position 610, T replaced by A.
Molecular consequence: intron variant.
Genome position (GRCh38, 1-based): chr12:47,995,924, A>T on the plus strand (T>A on the coding strand, the complement: COL2A1 is on the minus strand). VCF-style: chr12-47995924-A-T. GRCh37 (hg19) VCF-style: chr12-48389707-A-T.
Other names: c.403-5T>A (NM_033150.3).
Identifiers: ClinVar variation 2019603 (VCV002019603.4), dbSNP rs41317891, ClinGen allele CA2580085502.

ClinVar aggregate classification (germline): Uncertain significance (1 of 4 stars; one submission).

Submission:

Labcorp Genetics (formerly Invitae), Labcorp
Classification: Uncertain significance. Last evaluated: 2023-01-10. Review status: criteria provided, single submitter. Criteria: Invitae Variant Classification Sherloc (09022015). Collection method: clinical testing. Allele origin: germline.
Comment: In summary, the available evidence is currently insufficient to determine the role of this variant in disease. Therefore, it has been classified as a Variant of Uncertain Significance. Algorithms developed to predict the effect of sequence changes on RNA splicing suggest that this variant may create or strengthen a splice site. This variant has not been reported in the literature in individuals affected with COL2A1-related conditions. This variant is not present in population databases (gnomAD no frequency). This sequence change falls in intron 8 of the COL2A1 gene. It does not directly change the encoded amino acid sequence of the COL2A1 protein.